The following is an entry in ClinVar:

ClinVar aggregate classification (germline): Uncertain significance (1 of 4 stars; one submission).

Conditions:
Osteogenesis imperfecta type I (OI1). Also called: Osteogenesis imperfecta type 1; Lobstein's Disease; OI, TYPE I; OSTEOGENESIS IMPERFECTA TARDA; OSTEOGENESIS IMPERFECTA WITH BLUE SCLERAE; Lobstein disease. Identifiers: Orphanet 216796, Orphanet 666, MedGen C0023931, MONDO:0008146, OMIM 166200. Disease mechanism: loss of function.

gnomAD v4.1: 1 of 1,614,228 alleles (0.000062%); no homozygotes.

Submission:

Labcorp Genetics (formerly Invitae), Labcorp
Classification: Uncertain significance for Osteogenesis imperfecta type I. Last evaluated: 2025-12-08. Review status: criteria provided, single submitter. Criteria: Invitae Variant Classification Sherloc (09022015). Collection method: clinical testing. Allele origin: germline.
Comment: This sequence change replaces serine, which is neutral and polar, with asparagine, which is neutral and polar, at codon 1329 of the COL1A1 protein (p.Ser1329Asn). This variant is not present in population databases (gnomAD no frequency). This variant has not been reported in the literature in individuals affected with COL1A1-related conditions. Invitae Evidence Modeling of protein sequence and biophysical properties (such as structural, functional, and spatial information, amino acid conservation, physicochemical variation, residue mobility, and thermodynamic stability) indicates that this missense variant is not expected to disrupt COL1A1 protein function with a negative predictive value of 95%. In summary, the available evidence is currently insufficient to determine the role of this variant in disease. Therefore, it has been classified as a Variant of Uncertain Significance.

NM_000088.4(COL1A1):c.3986G>A (p.Ser1329Asn)

Gene: COL1A1 (collagen type I alpha 1 chain; minus strand). Cytogenetic location: 17q21.33.
Variant type: single nucleotide variant.
Coding change: c.3986G>A on transcript NM_000088.4 (MANE Select); coding-DNA position 3986, G replaced by A.
Protein change: p.Ser1329Asn; replaces serine 1329 with asparagine.
Molecular consequence: missense variant.
Genome position (GRCh38, 1-based): chr17:50,186,336, C>T on the plus strand (G>A on the coding strand, the complement: COL1A1 is on the minus strand). VCF-style: chr17-50186336-C-T. GRCh37 (hg19) VCF-style: chr17-48263697-C-T.
Other names: short protein forms S1329N.
Identifiers: ClinVar variation 4731329 (VCV004731329.1).